The following is an entry in ClinVar:

ClinVar aggregate classification (germline): Pathogenic (0 of 4 stars; one submission).

Conditions:
Microphthalmia with limb anomalies (MLA). Also called: ANOPHTHALMIA-SYNDACTYLY; OPHTHALMOACROMELIC SYNDROME; MICROPHTHALMIA AND LIMB ANOMALIES. Identifiers: Orphanet 1106, MedGen C0599973, MONDO:0008800, OMIM 206920.

Submission:

Laboratory of Medical Genetics, University of Torino
Classification: Pathogenic for Microphthalmia with limb anomalies. Last evaluated: 2018-09-01. Review status: no assertion criteria provided. Collection method: clinical testing. Allele origin: maternal. Affected: yes. Observed: 1 variant allele.
Comment: Found in compound heterozygosity with c.1223G>A

NM_001034852.3(SMOC1):c.709G>T (p.Glu237Ter)

Genes: SMOC1 (SPARC related modular calcium binding 1; plus strand), LOC126861980 (MED14-independent group 3 enhancer GRCh37_chr14:70477330-70478529; plus strand). Cytogenetic location: 14q24.2.
Variant type: single nucleotide variant.
Coding change: c.709G>T on transcript NM_001034852.3 (MANE Select); coding-DNA position 709, G replaced by T.
Protein change: p.Glu237Ter; replaces glutamic acid 237 with a stop codon.
Molecular consequence: nonsense.
Genome position (GRCh38, 1-based): chr14:70,010,798, G>T. VCF-style: chr14-70010798-G-T. GRCh37 (hg19) VCF-style: chr14-70477515-G-T.
Other names: c.709G>T, p.Glu237Ter (NM_022137.6); short protein forms E237*.
Identifiers: ClinVar variation 562133 (VCV000562133.1), dbSNP rs1566709754, ClinGen allele CA390208392.